The following is an entry in ClinVar:

NM_030662.4(MAP2K2):c.541T>A (p.Leu181Met)

Gene: MAP2K2 (mitogen-activated protein kinase kinase 2; minus strand). Cytogenetic location: 19p13.3.
Variant type: single nucleotide variant.
Coding change: c.541T>A on transcript NM_030662.4 (MANE Select); coding-DNA position 541, T replaced by A.
Protein change: p.Leu181Met; replaces leucine 181 with methionine.
Molecular consequence: missense variant.
Genome position (GRCh38, 1-based): chr19:4,101,268, A>T on the plus strand (T>A on the coding strand, the complement: MAP2K2 is on the minus strand). VCF-style: chr19-4101268-A-T. GRCh37 (hg19) VCF-style: chr19-4101266-A-T.
Other names: short protein forms L181M.
Identifiers: ClinVar variation 372637 (VCV000372637.1), dbSNP rs1057517898, ClinGen allele CA16043110.

ClinVar aggregate classification (germline): Uncertain significance (1 of 4 stars; one submission).

Submission:

GeneDx
Classification: Uncertain significance. Last evaluated: 2015-06-04. Review status: criteria provided, single submitter. Criteria: GeneDx Variant Classification (06012015). Collection method: clinical testing. Allele origin: germline. Affected: yes.
Comment: The L181M variant has not been published as a pathogenic variant, nor has it been reported as a benign polymorphism to our knowledge. The L181M variant was not observed in approximately 6,500 individuals of European and African American ancestry in the NHLBI Exome Sequencing Project, indicating it is not a common benign variant in these populations. The L181M variant is a conservative amino acid substitution, which is not likely to impact secondary protein structure as these residues share similar properties. However, this substitution occurs at a position in the protein kinase domain that is highly conserved across species. In silico analysis predicts this variant is probably damaging to the protein structure/function. No missense variants in this or nearby residues have been reported in the Human Gene Mutation Database in association with Noonan related disorders (Stenson et al., 2014). Therefore, based on the currently available information, it is unclear whether this variant is a pathogenic variant or a rare benign variant.